The following is an entry in ClinVar:

ClinVar aggregate classification (germline): Uncertain significance. Review status: criteria provided, multiple submitters, no conflicts (2 of 4 stars). 2 submissions from 2 submitters: Uncertain significance (2). Last evaluated 2025-10-17.

Conditions:
Inborn genetic diseases. Identifiers: MedGen C0950123, MeSH D030342.

Submissions (2):

Ambry Genetics
Classification: Uncertain significance for Inborn genetic diseases. Last evaluated: 2025-10-17. Review status: criteria provided, single submitter. Criteria: Ambry Variant Classification Scheme 2023. Collection method: clinical testing. Allele origin: germline.

GeneDx
Classification: Uncertain significance. Last evaluated: 2025-06-06. Review status: criteria provided, single submitter. Criteria: GeneDx Variant Classification Process June 2021. Collection method: clinical testing. Allele origin: germline. Affected: yes.
Comment: Not observed at significant frequency in large population cohorts (gnomAD); In silico analysis suggests that this missense variant does not alter protein structure/function; Has not been previously published as pathogenic or benign to our knowledge

NM_001378615.1(CC2D2A):c.4696A>G (p.Met1566Val)

Genes: CC2D2A (coiled-coil and C2 domain containing 2A; plus strand), FBXL5 (F-box and leucine rich repeat protein 5; minus strand). Cytogenetic location: 4p15.32.
Variant type: single nucleotide variant.
Coding change: c.4696A>G on transcript NM_001378615.1 (MANE Select); coding-DNA position 4696, A replaced by G.
Protein change: p.Met1566Val; replaces methionine 1566 with valine.
Molecular consequence: missense variant.
Genome position (GRCh38, 1-based): chr4:15,601,258, A>G. VCF-style: chr4-15601258-A-G. GRCh37 (hg19) VCF-style: chr4-15602881-A-G.
Other names: c.4696A>G, p.Met1566Val (NM_001080522.2); c.4549A>G, p.Met1517Val (NM_001378617.1); short protein forms M1517V, M1566V.
Identifiers: ClinVar variation 4536267 (VCV004536267.2).